The following is an entry in ClinVar:

ClinVar aggregate classification (germline): Uncertain significance. Review status: criteria provided, multiple submitters, no conflicts (2 of 4 stars). 10 submissions from 8 submitters: Uncertain significance (10). Last evaluated 2025-11-21.

Conditions:
Cardiovascular phenotype. Identifiers: MedGen CN230736.
Cardiomyopathy (CMYO). Also called: Cardiomyopathies. Identifiers: Orphanet 167848, MedGen C0878544, MONDO:0004994, HP:0001638. Inheritance: Various modes of inheritance.
Cardiomyopathy, familial restrictive, 3. Identifiers: Orphanet 75249, MedGen C2676271, MONDO:0012900, OMIM 612422.
Dilated cardiomyopathy 1D. Identifiers: Orphanet 154, Orphanet 54260, MedGen C1832243, MONDO:0011095, OMIM 601494.
Hypertrophic cardiomyopathy 2. Also called: TNNT2-Related Familial Hypertrophic Cardiomyopathy. Identifiers: MedGen C1861864, MONDO:0007266, OMIM 115195.

Allele frequency attached by ClinVar (database versions not stated): TOPMed below 0.00001; gnomAD 0.00001; gnomAD exomes 0.00001.
gnomAD v4.1: 6 of 1,614,046 alleles (0.00037%); highest among the groups gnomAD compares: South Asian, 0.0022%; no homozygotes.

Submissions (10):

Color Diagnostics, LLC DBA Color Health
Classification: Uncertain significance for Cardiomyopathy. Last evaluated: 2025-11-21. Review status: criteria provided, single submitter. Criteria: ACMG Guidelines, 2015. Collection method: clinical testing. Allele origin: germline.
Comment: This missense variant replaces tyrosine with cysteine at codon 241 of the TNNT2 protein. Computational prediction suggests that this variant may not impact protein structure and function. To our knowledge, functional studies have not been reported for this variant. This variant has been reported in an individual affected with dilated cardiomyopathy (PMID: 32880476). This variant has been identified in 6/1614046 chromosomes in the general population by the Genome Aggregation Database (gnomAD). The available evidence is insufficient to determine the role of this variant in disease conclusively. Therefore, this variant is classified as a Variant of Uncertain Significance.

Labcorp Genetics (formerly Invitae), Labcorp
Classification: Uncertain significance for Cardiomyopathy, familial restrictive, 3; Hypertrophic cardiomyopathy 2; Dilated cardiomyopathy 1D. Last evaluated: 2025-08-03. Review status: criteria provided, single submitter. Criteria: Invitae Variant Classification Sherloc (09022015). Collection method: clinical testing. Allele origin: germline.
Comment: This sequence change replaces tyrosine, which is neutral and polar, with cysteine, which is neutral and slightly polar, at codon 241 of the TNNT2 protein (p.Tyr241Cys). The frequency data for this variant in the population databases is considered unreliable, as metrics indicate poor data quality at this position in the gnomAD database. This missense change has been observed in individual(s) with clinical features of TNNT2-related conditions (PMID: 20800588, 32880476). ClinVar contains an entry for this variant (Variation ID: 191800). Invitae Evidence Modeling of protein sequence and biophysical properties (such as structural, functional, and spatial information, amino acid conservation, physicochemical variation, residue mobility, and thermodynamic stability) indicates that this missense variant is not expected to disrupt TNNT2 protein function with a negative predictive value of 80%. In summary, the available evidence is currently insufficient to determine the role of this variant in disease. Therefore, it has been classified as a Variant of Uncertain Significance.

Ambry Genetics
Classification: Uncertain significance for Cardiovascular phenotype. Last evaluated: 2023-11-15. Review status: criteria provided, single submitter. Criteria: Ambry Variant Classification Scheme 2023. Collection method: clinical testing. Allele origin: germline.
Comment: The p.Y241C variant (also known as c.722A>G), located in coding exon 13 of the TNNT2 gene, results from an A to G substitution at nucleotide position 722. The tyrosine at codon 241 is replaced by cysteine, an amino acid with highly dissimilar properties. This variant has been reported in a hypertrophic cardiomyopathy (HCM) cohort and a dilated cardiomyopathy (DCM) cohort (Millat G et al. Clin Chim Acta, 2010 Dec;411:1983-91; Verdonschot JAJ et al. Circ Genom Precis Med, 2020 Oct;13:476-487). This amino acid position is not well conserved in available vertebrate species. In addition, the in silico prediction for this alteration is inconclusive. Since supporting evidence is limited at this time, the clinical significance of this alteration remains unclear.

All of Us Research Program, National Institutes of Health
Classification: Uncertain significance for Cardiomyopathy. Last evaluated: 2023-10-02. Review status: criteria provided, single submitter. Criteria: ACMG Guidelines, 2015. Collection method: clinical testing. Allele origin: germline. Inheritance: Autosomal dominant inheritance. Observed: 3 variant alleles, 3 heterozygotes.
Comment: This missense variant replaces tyrosine with cysteine at codon 241 of the TNNT2 protein. Computational prediction suggests that this variant may not impact protein structure and function (internally defined REVEL score threshold <= 0.5, PMID: 27666373). To our knowledge, functional studies have not been reported for this variant. This variant has been reported in an individual affected with dilated cardiomyopathy (PMID: 32880476). This variant has not been identified in the general population by the Genome Aggregation Database (gnomAD). The available evidence is insufficient to determine the role of this variant in disease conclusively. Therefore, this variant is classified as a Variant of Uncertain Significance.

This study involves interpretation of variants in research participants for the purpose of population health screening. Participant phenotype was not available at the time of variant classification. Additional details can be found in publication PMID: 35346344, PMCID: PMC8962531

GeneDx
Classification: Uncertain significance. Last evaluated: 2023-06-28. Review status: criteria provided, single submitter. Criteria: GeneDx Variant Classification Process June 2021. Collection method: clinical testing. Allele origin: germline. Affected: yes.
Comment: Not observed at significant frequency in large population cohorts (gnomAD); In silico analysis supports that this missense variant has a deleterious effect on protein structure/function; Identified in patients with cardiomyopathy (Millet et al., 2010; Verdonschot et al., 2020); This variant is associated with the following publications: (PMID: 32880476, 23861362, 20800588)

Blueprint Genetics
Classification: Uncertain significance. Last evaluated: 2023-04-17. Review status: criteria provided, single submitter. Criteria: ACMG Guidelines, 2015. Collection method: clinical testing. Allele origin: germline.

Genome-Nilou Lab
Classification: Uncertain significance for Dilated cardiomyopathy 1D. Last evaluated: 2023-04-11. Review status: criteria provided, single submitter. Criteria: ACMG Guidelines, 2015. Collection method: clinical testing. Allele origin: germline. Affected: no.

Genome-Nilou Lab
Classification: Uncertain significance for Cardiomyopathy, familial restrictive, 3. Last evaluated: 2023-04-11. Review status: criteria provided, single submitter. Criteria: ACMG Guidelines, 2015. Collection method: clinical testing. Allele origin: germline. Affected: no.

Genome-Nilou Lab
Classification: Uncertain significance for Hypertrophic cardiomyopathy 2. Last evaluated: 2023-04-11. Review status: criteria provided, single submitter. Criteria: ACMG Guidelines, 2015. Collection method: clinical testing. Allele origin: germline. Affected: no.

Biesecker Lab/Clinical Genomics Section, National Institutes of Health
Classification: Uncertain significance. Last evaluated: 2013-06-24. Review status: criteria provided, single submitter. Criteria: Ng et al. (Circ Cardiovasc Genet. 2013). Collection method: research. Allele origin: unknown. Observed: 1 variant allele. Study: ClinSeq.
Comment: The study set was not selected for affection status in relation to any cancer. Pathogenicity categories were based on literature curation. See Pubmed ID:23861362 for details.

Medical sequencing

Literature cited by the submitters: PubMed 32880476 (cited by 4 submitters); PubMed 20800588 (cited by Labcorp Genetics (formerly Invitae), Labcorp and Ambry Genetics); PubMed 23861362 (cited by Ambry Genetics).

NM_001276345.2(TNNT2):c.752A>G (p.Tyr251Cys)

Gene: TNNT2 (troponin T2, cardiac type; minus strand). Cytogenetic location: 1q32.1.
Variant type: single nucleotide variant.
Coding change: c.752A>G on transcript NM_001276345.2 (MANE Select); coding-DNA position 752, A replaced by G.
Protein change: p.Tyr251Cys; replaces tyrosine 251 with cysteine.
Molecular consequence: missense variant.
Genome position (GRCh38, 1-based): chr1:201,361,337, T>C on the plus strand (A>G on the coding strand, the complement: TNNT2 is on the minus strand). VCF-style: chr1-201361337-T-C. GRCh37 (hg19) VCF-style: chr1-201330465-T-C.
Other names: c.743A>G, p.Tyr248Cys (NM_000364.4); c.722A>G, p.Tyr241Cys (NM_001001430.3, NM_001276347.2); c.713A>G, p.Tyr238Cys (NM_001001431.3); c.704A>G, p.Tyr235Cys (NM_001001432.3); c.623A>G, p.Tyr208Cys (NM_001276346.2); short protein forms Y241C, Y248C, Y208C, Y235C, Y238C, Y251C.
Identifiers: ClinVar variation 191800 (VCV000191800.22), dbSNP rs200500421, ClinGen allele CA005014.